The following is an entry in ClinVar:

NM_144999.4(LRRC45):c.689G>A (p.Arg230Gln)

Gene: LRRC45 (leucine rich repeat containing 45; plus strand). Cytogenetic location: 17q25.3.
Variant type: single nucleotide variant.
Coding change: c.689G>A on transcript NM_144999.4 (MANE Select); coding-DNA position 689, G replaced by A.
Protein change: p.Arg230Gln; replaces arginine 230 with glutamine.
Molecular consequence: missense variant.
Genome position (GRCh38, 1-based): chr17:82,026,926, G>A. VCF-style: chr17-82026926-G-A. GRCh37 (hg19) VCF-style: chr17-79984802-G-A.
Other names: short protein forms R230Q.
Identifiers: ClinVar variation 4981613 (VCV004981613.1).

ClinVar aggregate classification (germline): Uncertain significance (1 of 4 stars; one submission).

Conditions:
LRRC45-related disorder. Also called: LRRC45-related condition.

gnomAD v4.1: 51 of 1,607,162 alleles (0.0032%); highest among the groups gnomAD compares: African/African-American, 0.031%; no homozygotes.

Submission:

PreventionGenetics, part of Exact Sciences
Classification: Uncertain significance for LRRC45-related condition. Last evaluated: 2026-02-25. Review status: criteria provided, single submitter. Criteria: ACMG Guidelines, 2015. Collection method: clinical testing. Allele origin: germline.
Comment: The LRRC45 c.689G>A variant is predicted to result in the amino acid substitution p.Arg230Gln. To our knowledge, this variant has not been reported in the literature. This variant is reported in 0.029% of alleles in individuals of African descent in gnomAD. At this time, the clinical significance of this variant is uncertain due to the absence of conclusive functional and genetic evidence.